The following is an entry in ClinVar:

NM_001267550.2(TTN):c.39044-9T>A

Gene: TTN (titin; minus strand). Cytogenetic location: 2q31.2.
Variant type: single nucleotide variant.
Coding change: c.39044-9T>A on transcript NM_001267550.2 (MANE Select); 9 bases into the intron before coding-DNA position 39044, T replaced by A.
Molecular consequence: intron variant.
Genome position (GRCh38, 1-based): chr2:178,652,550, A>T on the plus strand (T>A on the coding strand, the complement: TTN is on the minus strand). VCF-style: chr2-178652550-A-T. GRCh37 (hg19) VCF-style: chr2-179517277-A-T.
Other names: c.39044-9T>A (LRG_391t1); c.13283-10233T>A (NM_003319.4); c.13859-10233T>A (NM_133437.4); c.13658-10233T>A (NM_133432.3); c.31742-9T>A (NM_133378.4); c.34523-9T>A (NM_001256850.1).
Identifiers: ClinVar variation 166093 (VCV000166093.65), dbSNP rs184888200, ClinGen allele CA178886.

ClinVar aggregate classification (germline): Conflicting classifications of pathogenicity. Review status: criteria provided, conflicting classifications (1 of 4 stars). 21 submissions from 17 submitters: Uncertain significance (8); Benign (3); Likely benign (6). 4 of the submissions do not count toward it. Last evaluated 2026-01-31.

Conditions:
TTN-related disorder. Also called: TTN-related disorders; TTN-related condition; TTN-related disease.
Dilated cardiomyopathy 1G (CMD1G). Identifiers: Orphanet 154, MedGen C1858763, MONDO:0011400, OMIM 604145.
Autosomal recessive limb-girdle muscular dystrophy type 2J (LGMDR10). Also called: Limb-girdle muscular dystrophy, type 2J; MUSCULAR DYSTROPHY, LIMB-GIRDLE, AUTOSOMAL RECESSIVE 10. Identifiers: Orphanet 140922, MedGen C1837342, MONDO:0012127, OMIM 608807.
Cardiomyopathy (CMYO). Also called: Cardiomyopathies. Identifiers: Orphanet 167848, MedGen C0878544, MONDO:0004994, HP:0001638. Inheritance: Various modes of inheritance.
Early-onset myopathy with fatal cardiomyopathy (CMYO5). Also called: CONGENITAL MYOPATHY 5 WITH CARDIOMYOPATHY; Salih Myopathy. Identifiers: Orphanet 289377, MedGen C2673677, MONDO:0012714, OMIM 611705. Disease mechanism: loss of function.
Tibial muscular dystrophy (TMD). Also called: UDD MYOPATHY; Tibial muscular dystrophy, tardive; Udd Distal Myopathy – Tibial Muscular Dystrophy. Identifiers: Orphanet 609, MedGen C1838244, MONDO:0010870, OMIM 600334.
Myopathy, myofibrillar, 9, with early respiratory failure (MFM9). Also called: Hereditary myopathy with early respiratory failure; MYOPATHY, PROXIMAL, WITH EARLY RESPIRATORY MUSCLE INVOLVEMENT; EDSTROM MYOPATHY; Myopathy, distal, with early respiratory failure, autosomal dominant. Identifiers: Orphanet 178464, Orphanet 34521, MedGen C1863599, MONDO:0011362, OMIM 603689.
Primary dilated cardiomyopathy (DCM). Also called: Dilated Cardiomyopathy. Identifiers: Orphanet 217604, MedGen C0007193, MeSH D002311, MONDO:0005021, HP:0001644. Inheritance: Various modes of inheritance.

Allele frequency attached by ClinVar (database versions not stated): TOPMed 0.00041; gnomAD 0.00042; 1000 Genomes Project 0.00060; ESP Exome Variant Server 0.00060; 1000 Genomes Project 30x 0.00062.
gnomAD v4.1: 1,036 of 1,613,006 alleles (0.064%); highest among the groups gnomAD compares: Non-Finnish European, 0.077%; no homozygotes.

Submissions (21):

Labcorp Genetics (formerly Invitae), Labcorp
Classification: Likely benign for Dilated cardiomyopathy 1G; Autosomal recessive limb-girdle muscular dystrophy type 2J. Last evaluated: 2026-01-31. Review status: criteria provided, single submitter. Criteria: Invitae Variant Classification Sherloc (09022015). Collection method: clinical testing. Allele origin: germline.

PreventionGenetics, part of Exact Sciences
Classification: Likely benign for TTN-related condition. Last evaluated: 2025-04-02. Review status: criteria provided, single submitter. Criteria: ACMG Guidelines, 2015. Collection method: clinical testing. Allele origin: germline.
Comment: This variant is classified as likely benign based on ACMG/AMP sequence variant interpretation guidelines (Richards et al. 2015 PMID: 25741868, with internal and published modifications).

Revvity Omics, Revvity
Classification: Uncertain significance. Last evaluated: 2025-03-26. Review status: criteria provided, single submitter. Criteria: ACMG Guidelines, 2015. Collection method: clinical testing. Allele origin: germline.

Blueprint Genetics
Classification: Likely benign. Last evaluated: 2024-09-11. Review status: criteria provided, single submitter. Criteria: ACMG Guidelines, 2015. Collection method: clinical testing. Allele origin: germline.

CHEO Genetics Diagnostic Laboratory, Children's Hospital of Eastern Ontario
Classification: Likely benign for Cardiomyopathy. Last evaluated: 2023-04-21. Review status: criteria provided, single submitter. Criteria: ACMG Guidelines, 2015. Collection method: clinical testing. Allele origin: germline.

CeGaT Center for Human Genetics Tuebingen
Classification: Uncertain significance. Last evaluated: 2022-09-01. Review status: criteria provided, single submitter. Criteria: CeGaT Center For Human Genetics Tuebingen Variant Classification Criteria Version 2. Collection method: clinical testing. Allele origin: germline. Affected: yes. Observed: 1 variant allele.

Women's Health and Genetics/Laboratory Corporation of America, LabCorp
Classification: Benign. Last evaluated: 2021-06-28. Review status: criteria provided, single submitter. Criteria: LabCorp Variant Classification Summary - May 2015. Collection method: clinical testing. Allele origin: germline.
Comment: Variant summary: TTN c.31742-9T>A alters a nucleotide located close to a canonical splice site and therefore could affect mRNA splicing, leading to a significantly altered protein sequence. Several computational tools predict a significant impact on normal splicing: Two predict the variant weakens a 3' acceptor site. One predict the variant abolishes a 3' acceptor site. However, these predictions have yet to be confirmed by functional studies. The variant allele was found at a frequency of 0.00035 in 248386 control chromosomes, predominantly at a frequency of 0.00057 within the Non-Finnish European subpopulation in the gnomAD database. The observed variant frequency within Non-Finnish European control individuals in the gnomAD database is approximately 1.46 fold of the estimated maximal expected allele frequency for a pathogenic variant in TTN causing Dilated Cardiomyopathy phenotype (0.00039), strongly suggesting that the variant is a benign polymorphism found primarily in populations of Non-Finnish European origin. Six clinical diagnostic laboratories have submitted clinical-significance assessments for this variant to ClinVar after 2014 without evidence for independent evaluation. Three classify as likely benign/benign while three classify as VUS. Based on the evidence outlined above, the variant was classified as benign.

GeneDx
Classification: Likely benign. Last evaluated: 2021-01-15. Review status: criteria provided, single submitter. Criteria: GeneDx Variant Classification Process June 2021. Collection method: clinical testing. Allele origin: germline. Affected: yes.
Comment: This variant is associated with the following publications: (PMID: 25589632, 26777568)

Laboratory for Molecular Medicine, Mass General Brigham Personalized Medicine
Classification: Likely benign. Last evaluated: 2019-01-28. Review status: criteria provided, single submitter. Criteria: LMM Criteria. Collection method: clinical testing. Allele origin: germline. Observed: 1 variant allele.
Comment: proposed classification - variant undergoing re-assessment, contact laboratory

Baylor Genetics
Classification: Uncertain significance for Myopathy, myofibrillar, 9, with early respiratory failure. Last evaluated: 2018-04-05. Review status: criteria provided, single submitter. Criteria: ACMG Guidelines, 2015. Collection method: clinical testing. Allele origin: maternal. Affected: yes.
Comment: This variant was determined to be of uncertain significance according to ACMG Guidelines, 2015 [PMID:25741868].

Illumina Laboratory Services, Illumina
Classification: Benign for Tibial muscular dystrophy. Last evaluated: 2018-01-13. Review status: criteria provided, single submitter. Criteria: ICSL Variant Classification Criteria 13 December 2019. Collection method: clinical testing. Allele origin: germline.
Comment: This variant was observed in the ICSL laboratory as part of a predisposition screen in an ostensibly healthy population. It had not been previously curated by ICSL or reported in the Human Gene Mutation Database (HGMD: prior to June 1st, 2018), and was therefore a candidate for classification through an automated scoring system. Utilizing variant allele frequency, disease prevalence and penetrance estimates, and inheritance mode, an automated score was calculated to assess if this variant is too frequent to cause the disease. Based on the score and internal cut-off values, a variant classified as benign is not then subjected to further curation. The score for this variant resulted in a classification of benign for this disease.

Illumina Laboratory Services, Illumina
Classification: Uncertain significance for Dilated cardiomyopathy 1G. Last evaluated: 2018-01-13. Review status: criteria provided, single submitter. Criteria: ICSL Variant Classification Criteria 13 December 2019. Collection method: clinical testing. Allele origin: germline.

Illumina Laboratory Services, Illumina
Classification: Uncertain significance for Autosomal recessive limb-girdle muscular dystrophy type 2J. Last evaluated: 2018-01-13. Review status: criteria provided, single submitter. Criteria: ICSL Variant Classification Criteria 13 December 2019. Collection method: clinical testing. Allele origin: germline.

Illumina Laboratory Services, Illumina
Classification: Benign for Myopathy, myofibrillar, 9, with early respiratory failure. Last evaluated: 2018-01-13. Review status: criteria provided, single submitter. Criteria: ICSL Variant Classification Criteria 13 December 2019. Collection method: clinical testing. Allele origin: germline.
Comment: the same text as in the submission from Illumina Laboratory Services, Illumina above.

Illumina Laboratory Services, Illumina
Classification: Uncertain significance for Early-onset myopathy with fatal cardiomyopathy. Last evaluated: 2018-01-13. Review status: criteria provided, single submitter. Criteria: ICSL Variant Classification Criteria 13 December 2019. Collection method: clinical testing. Allele origin: germline.

Eurofins Ntd Llc (ga)
Classification: Uncertain significance. Last evaluated: 2015-10-05. Review status: criteria provided, single submitter. Criteria: EGL Classification Definitions 2015. Collection method: clinical testing. Allele origin: germline. Observed: 6 variant alleles, 6 heterozygotes.

Cardiovascular Biomedical Research Unit, Royal Brompton & Harefield NHS Foundation Trust
Classification: Uncertain significance for Primary dilated cardiomyopathy. Last evaluated: 2014-10-08. Review status: criteria provided, single submitter. Criteria: Roberts et al. 2015. Collection method: research. Allele origin: germline. Inheritance: Autosomal dominant inheritance. Affected: yes. Observed: 1 variant allele. Study: Unselected DCM.
Comment: This TTN truncating variant (TTNtv) was identified in one individual in this cohort and is located in an exon with low levels of cardiac expression. In the seven cohorts assessed, TTNtv were found in 14% of ambulant DCM, 22% end-stage or familial DCM, and 2% controls. Heterozygous nonsense, frameshift and canonical splice-disrupting variants found in constitutive and other highly utilised exons are highly likely to be pathogenic when identified in individuals with phenotypically confirmed DCM. TTNtv found incidentally in healthy individuals (excluding familial assessment of DCM relatives) are thought to have low penetrance, particularly when identified in exons that are not constitutively expressed in the heart.

Clinical Genetics DNA and cytogenetics Diagnostics Lab, Erasmus MC, Erasmus Medical Center
Classification: Likely benign. Review status: no assertion criteria provided. Collection method: clinical testing. Allele origin: germline. Affected: yes. Study: VKGL Data-share Consensus. Not counted in ClinVar's aggregate classification.

Clinical Genetics, Academic Medical Center
Classification: Likely benign. Review status: no assertion criteria provided. Collection method: clinical testing. Allele origin: germline. Affected: yes. Study: VKGL Data-share Consensus. Not counted in ClinVar's aggregate classification.

Diagnostic Laboratory, Department of Genetics, University Medical Center Groningen
Classification: Likely benign. Review status: no assertion criteria provided. Collection method: clinical testing. Allele origin: germline. Affected: yes. Study: VKGL Data-share Consensus. Not counted in ClinVar's aggregate classification.

Joint Genome Diagnostic Labs from Nijmegen and Maastricht, Radboudumc and MUMC+
Classification: Likely benign. Review status: no assertion criteria provided. Collection method: clinical testing. Allele origin: germline. Affected: yes. Study: VKGL Data-share Consensus. Not counted in ClinVar's aggregate classification.